The following is an entry in ClinVar:

ClinVar aggregate classification (germline): Uncertain significance (1 of 4 stars; one submission).

Submission:

GeneDx
Classification: Uncertain significance. Last evaluated: 2022-12-27. Review status: criteria provided, single submitter. Criteria: GeneDx Variant Classification Process June 2021. Collection method: clinical testing. Allele origin: germline. Affected: yes.
Comment: Not observed at significant frequency in large population cohorts (gnomAD); In silico analysis supports that this missense variant has a deleterious effect on protein structure/function; Has not been previously published as pathogenic or benign to our knowledge

NM_000260.4(MYO7A):c.5159A>T (p.Asp1720Val)

Gene: MYO7A (myosin VIIA; plus strand). Cytogenetic location: 11q13.5.
Variant type: single nucleotide variant.
Coding change: c.5159A>T on transcript NM_000260.4 (MANE Select); coding-DNA position 5159, A replaced by T.
Protein change: p.Asp1720Val; replaces aspartic acid 1720 with valine.
Molecular consequence: missense variant.
Genome position (GRCh38, 1-based): chr11:77,202,415, A>T. VCF-style: chr11-77202415-A-T. GRCh37 (hg19) VCF-style: chr11-76913460-A-T.
Other names: c.5045A>T, p.Asp1682Val (NM_001127180.2); c.5012A>T, p.Asp1671Val (NM_001369365.1); short protein forms D1671V, D1682V, D1720V.
Identifiers: ClinVar variation 2507066 (VCV002507066.1), dbSNP rs2497650620, ClinGen allele CA381951873.